The following is an entry in ClinVar:

ClinVar aggregate classification (germline): Likely benign. Review status: criteria provided, multiple submitters, no conflicts (2 of 4 stars). 6 submissions from 6 submitters: Likely benign (6). Last evaluated 2026-01-19.

Conditions:
Baller-Gerold syndrome (BGS). Also called: CRANIOSYNOSTOSIS WITH RADIAL DEFECTS. Identifiers: Orphanet 1225, MedGen C0265308, MONDO:0009039, OMIM 218600.
Rapadilino syndrome. Identifiers: Orphanet 3021, MedGen C1849453, MONDO:0009955, OMIM 266280.
Rothmund-Thomson syndrome type 2 (RTS2). Identifiers: Orphanet 221016, MedGen C5203410, MONDO:0016369, OMIM 268400.
Inborn genetic diseases. Identifiers: MedGen C0950123, MeSH D030342.

Allele frequency attached by ClinVar (database versions not stated): gnomAD 0.00006 and 0.00007; TOPMed 0.00006; gnomAD exomes 0.00008 and 0.00014; ExAC 0.00014.
gnomAD v4.1: 136 of 1,612,894 alleles (0.0084%); highest among the groups gnomAD compares: South Asian, 0.086%; 3 homozygotes.

Submissions (6):

Labcorp Genetics (formerly Invitae), Labcorp
Classification: Likely benign for Baller-Gerold syndrome. Last evaluated: 2026-01-19. Review status: criteria provided, single submitter. Criteria: Invitae Variant Classification Sherloc (09022015). Collection method: clinical testing. Allele origin: germline.

Ambry Genetics
Classification: Likely benign for Inborn genetic diseases. Last evaluated: 2024-12-04. Review status: criteria provided, single submitter. Criteria: Ambry Variant Classification Scheme 2023. Collection method: clinical testing. Allele origin: germline.

Blueprint Genetics
Classification: Likely benign. Last evaluated: 2024-10-25. Review status: criteria provided, single submitter. Criteria: ACMG Guidelines, 2015. Collection method: clinical testing. Allele origin: germline.

KCCC/NGS Laboratory, Kuwait Cancer Control Center
Classification: Likely benign for Rothmund-Thomson syndrome type 2. Last evaluated: 2023-07-07. Review status: criteria provided, single submitter. Criteria: ACMG Guidelines, 2015. Collection method: clinical testing. Allele origin: germline. Affected: yes.

CeGaT Center for Human Genetics Tuebingen
Classification: Likely benign. Last evaluated: 2023-07-01. Review status: criteria provided, single submitter. Criteria: CeGaT Center For Human Genetics Tuebingen Variant Classification Criteria Version 2. Collection method: clinical testing. Allele origin: germline. Affected: yes. Observed: 1 variant allele.
Comment: RECQL4: BP4, BP7

Fulgent Genetics
Classification: Likely benign for Baller-Gerold syndrome; Rapadilino syndrome; Rothmund-Thomson syndrome type 2. Last evaluated: 2021-10-19. Review status: criteria provided, single submitter. Criteria: ACMG Guidelines, 2015. Collection method: clinical testing. Allele origin: unknown.

NM_004260.4(RECQL4):c.1170T>C (p.Phe390=)

Gene: RECQL4 (RecQ like helicase 4; minus strand). Cytogenetic location: 8q24.3.
Variant type: single nucleotide variant.
Coding change: c.1170T>C on transcript NM_004260.4 (MANE Select); coding-DNA position 1170, T replaced by C.
Protein change: p.Phe390=; no amino-acid change (phenylalanine 390 retained).
Molecular consequence: synonymous variant.
Genome position (GRCh38, 1-based): chr8:144,515,852, A>G on the plus strand (T>C on the coding strand, the complement: RECQL4 is on the minus strand). VCF-style: chr8-144515852-A-G. GRCh37 (hg19) VCF-style: chr8-145741236-A-G.
Identifiers: ClinVar variation 459308 (VCV000459308.38), dbSNP rs768991485, ClinGen allele CA4949001.